The following is an entry in ClinVar:

ClinVar aggregate classification (germline): Uncertain significance (1 of 4 stars; one submission).

Conditions:
Neutral lipid storage myopathy (NLSDM). Also called: NEUTRAL LIPID STORAGE DISEASE WITHOUT ICHTHYOSIS. Identifiers: Orphanet 98908, MedGen C1853136, MONDO:0012545, OMIM 610717.

Allele frequency attached by ClinVar (database versions not stated): gnomAD below 0.00001 and 0.00001; TOPMed 0.00001; ExAC 0.00003; gnomAD exomes 0.00004.
gnomAD v4.1: 36 of 1,613,812 alleles (0.0022%); highest among the groups gnomAD compares: South Asian, 0.012%; 1 homozygote.

Submission:

Labcorp Genetics (formerly Invitae), Labcorp
Classification: Uncertain significance for Neutral lipid storage myopathy. Last evaluated: 2021-08-27. Review status: criteria provided, single submitter. Criteria: Invitae Variant Classification Sherloc (09022015). Collection method: clinical testing. Allele origin: germline.
Comment: This sequence change replaces arginine with histidine at codon 217 of the PNPLA2 protein (p.Arg217His). The arginine residue is highly conserved and there is a small physicochemical difference between arginine and histidine. This variant is present in population databases (rs761088720, ExAC 0.02%). This variant has not been reported in the literature in individuals affected with PNPLA2-related conditions. Algorithms developed to predict the effect of missense changes on protein structure and function are either unavailable or do not agree on the potential impact of this missense change (SIFT: "Deleterious"; PolyPhen-2: "Benign"; Align-GVGD: "Class C0"). In summary, the available evidence is currently insufficient to determine the role of this variant in disease. Therefore, it has been classified as a Variant of Uncertain Significance.

NM_020376.4(PNPLA2):c.650G>A (p.Arg217His)

Gene: PNPLA2 (patatin like domain 2, triacylglycerol lipase; plus strand). Cytogenetic location: 11p15.5.
Variant type: single nucleotide variant.
Coding change: c.650G>A on transcript NM_020376.4 (MANE Select); coding-DNA position 650, G replaced by A.
Protein change: p.Arg217His; replaces arginine 217 with histidine.
Molecular consequence: missense variant.
Genome position (GRCh38, 1-based): chr11:822,560, G>A. VCF-style: chr11-822560-G-A. GRCh37 (hg19) VCF-style: chr11-822560-G-A.
Other names: short protein forms R217H.
Identifiers: ClinVar variation 844911 (VCV000844911.7), dbSNP rs761088720, ClinGen allele CA5791077.